The following is an entry in ClinVar:

ClinVar aggregate classification (germline): Uncertain significance (1 of 4 stars; one submission).

Conditions:
Hereditary cancer-predisposing syndrome. Also called: Neoplastic Syndromes, Hereditary; Tumor predisposition; Hereditary neoplastic syndrome; Hereditary Cancer Syndrome. Identifiers: Orphanet 140162, MedGen C0027672, MeSH D009386, MONDO:0015356.

gnomAD v4.1: 4 of 1,614,142 alleles (0.00025%); highest among the groups gnomAD compares: Non-Finnish European, 0.00034%; no homozygotes.

Submission:

Ambry Genetics
Classification: Uncertain significance for Hereditary cancer-predisposing syndrome. Last evaluated: 2026-07-06. Review status: criteria provided, single submitter. Criteria: Ambry Variant Classification Scheme 2023. Collection method: clinical testing. Allele origin: germline.
Comment: The p.H89R variant (also known as c.266A>G), located in coding exon 4 of the MAX gene, results from an A to G substitution at nucleotide position 266. The histidine at codon 89 is replaced by arginine, an amino acid with highly similar properties. This amino acid position is conserved. In addition, this alteration is predicted to be tolerated by in silico analysis. Based on the available evidence, the clinical significance of this variant remains unclear.

NM_002382.5(MAX):c.172-6169A>G

Gene: MAX (MYC associated transcriptional regulator X; minus strand). Cytogenetic location: 14q23.3.
Variant type: single nucleotide variant.
Coding change: c.172-6169A>G on transcript NM_002382.5 (MANE Select); 6169 bases into the intron before coding-DNA position 172, A replaced by G.
Molecular consequence: intron variant. On other transcripts: missense variant (3), 3 prime UTR variant (1), non-coding transcript variant (4).
Genome position (GRCh38, 1-based): chr14:65,084,205, T>C on the plus strand (A>G on the coding strand, the complement: MAX is on the minus strand). VCF-style: chr14-65084205-T-C. GRCh37 (hg19) VCF-style: chr14-65550923-T-C.
Other names: c.239A>G, p.His80Arg (NM_001271068.2, NM_001407113.1); c.*40A>G (NM_001407114.1); c.266A>G, p.His89Arg (NM_145114.3); c.144+9503A>G (NM_001271069.2); c.171+9503A>G (NM_197957.4); c.-196-6169A>G (NM_001407112.1, NM_001407111.1); c.-103-6169A>G (NM_001407106.1, NM_001407107.1, NM_001320415.2 and 1 more transcripts); c.145-6169A>G (NM_001407095.1, NM_001407110.1, NM_001407102.1 and 6 more transcripts); and 2 more; short protein forms H80R, H89R.
Identifiers: ClinVar variation 5023949 (VCV005023949.1).